The following is an entry in ClinVar:

NM_001005242.3(PKP2):c.1379-2010A>G

Gene: PKP2 (plakophilin 2; minus strand). Cytogenetic location: 12p11.21.
Variant type: single nucleotide variant.
Coding change: c.1379-2010A>G on transcript NM_001005242.3 (MANE Select); 2010 bases into the intron before coding-DNA position 1379, A replaced by G.
Molecular consequence: intron variant. On other transcripts: missense variant (1).
Genome position (GRCh38, 1-based): chr12:32,843,215, T>C on the plus strand (A>G on the coding strand, the complement: PKP2 is on the minus strand). VCF-style: chr12-32843215-T-C. GRCh37 (hg19) VCF-style: chr12-32996149-T-C.
Other names: c.1477A>G, p.Arg493Gly (NM_004572.4); short protein forms R493G.
Identifiers: ClinVar variation 1449248 (VCV001449248.10), dbSNP rs1382350974, ClinGen allele CA384368614.
Genomic context (GRCh38, chr12:32,843,215, plus strand): 5'-TATTTTGAGTAGAGACAGGGGTCTCACCATGTTGGTCAGGCTGGTCTCGAACTCCTGACC[T>C]CGTGATCCGCCCGCCTTGGCCTCCCAAAGTGCTGGGATTACAGGCGTGAGCCACCGCGCC-3'

ClinVar aggregate classification (germline): Conflicting classifications of pathogenicity. Review status: criteria provided, conflicting classifications (1 of 4 stars). 2 submissions from 2 submitters: Uncertain significance (1); Likely benign (1). Last evaluated 2025-10-05.

Conditions:
Cardiovascular phenotype. Identifiers: MedGen CN230736.
Arrhythmogenic right ventricular dysplasia 9 (ARVD9). Also called: Arrhythmogenic Right Ventricular Dysplasia/Cardiomyopathy 9; ARRHYTHMOGENIC RIGHT VENTRICULAR DYSPLASIA, FAMILIAL, 9. Identifiers: MedGen C1836906, MONDO:0012180, OMIM 609040.

gnomAD v4.1: 2 of 648,138 alleles (0.00031%); highest among the groups gnomAD compares: African/African-American, 0.0037%; no homozygotes.

Submissions (2):

Labcorp Genetics (formerly Invitae), Labcorp
Classification: Uncertain significance for Arrhythmogenic right ventricular dysplasia 9. Last evaluated: 2025-10-05. Review status: criteria provided, single submitter. Criteria: Invitae Variant Classification Sherloc (09022015). Collection method: clinical testing. Allele origin: germline.
Comment: This sequence change replaces arginine, which is basic and polar, with glycine, which is neutral and non-polar, at codon 493 of the PKP2 protein (p.Arg493Gly). This variant is not present in population databases (gnomAD no frequency). This variant has not been reported in the literature in individuals affected with PKP2-related conditions. ClinVar contains an entry for this variant (Variation ID: 1449248). An algorithm developed to predict the effect of missense changes on protein structure and function (PolyPhen-2) suggests that this variant is likely to be tolerated. In summary, the available evidence is currently insufficient to determine the role of this variant in disease. Therefore, it has been classified as a Variant of Uncertain Significance.

Ambry Genetics
Classification: Likely benign for Cardiovascular phenotype. Last evaluated: 2018-05-11. Review status: criteria provided, single submitter. Criteria: Ambry Variant Classification Scheme 2023. Collection method: clinical testing. Allele origin: germline.